The following is an entry in ClinVar:

ClinVar aggregate classification (germline): Uncertain significance. Review status: criteria provided, multiple submitters, no conflicts (2 of 4 stars). 2 submissions from 2 submitters: Uncertain significance (2). Last evaluated 2026-02-02.

Conditions:
Familial hemophagocytic lymphohistiocytosis 5. Also called: STXBP2-Related Familial Hemophagocytic Lymphohistiocytosis (STXBP2-fHLH). Identifiers: Orphanet 540, MedGen C2751293, MONDO:0013135, OMIM 613101.
STXBP2-related disorder. Also called: STXBP2-related condition.

Allele frequency attached by ClinVar (database versions not stated): gnomAD 0.00001; TOPMed 0.00001.
gnomAD v4.1: 8 of 1,552,646 alleles (0.00052%); highest among the groups gnomAD compares: East Asian, 0.0049%; no homozygotes.

Submissions (2):

Labcorp Genetics (formerly Invitae), Labcorp
Classification: Uncertain significance for Familial hemophagocytic lymphohistiocytosis 5. Last evaluated: 2026-02-02. Review status: criteria provided, single submitter. Criteria: Invitae Variant Classification Sherloc (09022015). Collection method: clinical testing. Allele origin: germline.
Comment: This sequence change replaces arginine, which is basic and polar, with glutamine, which is neutral and polar, at codon 161 of the STXBP2 protein (p.Arg161Gln). This variant is present in population databases (no rsID available, gnomAD 0.009%). This variant has not been reported in the literature in individuals affected with STXBP2-related conditions. ClinVar contains an entry for this variant (Variation ID: 1356735). Invitae Evidence Modeling of protein sequence and biophysical properties (such as structural, functional, and spatial information, amino acid conservation, physicochemical variation, residue mobility, and thermodynamic stability) indicates that this missense variant is not expected to disrupt STXBP2 protein function with a negative predictive value of 95%. Algorithms developed to predict the effect of sequence changes on RNA splicing suggest that this variant may disrupt the consensus splice site. In summary, the available evidence is currently insufficient to determine the role of this variant in disease. Therefore, it has been classified as a Variant of Uncertain Significance.

PreventionGenetics, part of Exact Sciences
Classification: Uncertain significance for STXBP2-related condition. Last evaluated: 2022-12-28. Review status: criteria provided, single submitter. Criteria: ACMG Guidelines, 2015. Collection method: clinical testing. Allele origin: germline.
Comment: The STXBP2 c.482G>A variant is predicted to result in the amino acid substitution p.Arg161Gln. To our knowledge, this variant has not been reported in the literature. This variant is reported in 0.0086% of alleles in individuals of East Asian descent in gnomAD. At this time, the clinical significance of this variant is uncertain due to the absence of conclusive functional and genetic evidence.

NM_006949.4(STXBP2):c.482G>A (p.Arg161Gln)

Gene: STXBP2 (syntaxin binding protein 2; plus strand). Cytogenetic location: 19p13.2.
Variant type: single nucleotide variant.
Coding change: c.482G>A on transcript NM_006949.4 (MANE Select); coding-DNA position 482, G replaced by A.
Protein change: p.Arg161Gln; replaces arginine 161 with glutamine.
Molecular consequence: missense variant. On other transcripts: non-coding transcript variant (1).
Genome position (GRCh38, 1-based): chr19:7,641,757, G>A. VCF-style: chr19-7641757-G-A. GRCh37 (hg19) VCF-style: chr19-7706643-G-A.
Other names: c.473G>A, p.Arg158Gln (NM_001127396.3); c.515G>A, p.Arg172Gln (NM_001272034.2); c.482G>A (NM_006949.3); short protein forms R161Q, R172Q, R158Q.
Identifiers: ClinVar variation 1356735 (VCV001356735.11), dbSNP rs1365793463, ClinGen allele CA403158319.